The following is an entry in ClinVar:

GRCh38/hg38 8p23.1-22(chr8:12383108-12809999)x3

Genes: FAM66A (family with sequence similarity 66 member A), FAM86B2 (family with sequence similarity 86 member B2; minus strand), FAM86B2-DT (FAM86B2 divergent transcript; plus strand), LINC00681 (long intergenic non-protein coding RNA 681; plus strand), LINC03019 (long intergenic non-protein coding RNA 3019; minus strand) and 15 more. Cytogenetic location: 8p23.1-22.
Variant type: copy number gain.
Change: copy number 3 (three copies instead of two) of chr8:12,383,108-12,809,999 (426.9 kb, GRCh38 coordinates, 1-based), cytogenetic band 8p23.1-22.
Identifiers: ClinVar variation 59806 (VCV000059806.1).

ClinVar aggregate classification (germline): Benign (1 of 4 stars; one submission).

Submission:

ISCA site 15
Classification: Benign. Last evaluated: 2011-08-12. Review status: criteria provided, single submitter. Criteria: Kaminsky et al. (Genet Med. 2011). Collection method: clinical testing. Allele origin: unknown. Affected: yes. Observed: 1 variant allele.
Comment: Copy number variation identified through the course of routine clinical cytogenomic testing in postnatal populations. Clinical assertions have been curated as described in Kaminsky et al. 2011.